The following is an entry in ClinVar:

ClinVar aggregate classification (germline): Uncertain significance (1 of 4 stars; one submission).

Allele frequency attached by ClinVar (database versions not stated): gnomAD exomes below 0.00001; ExAC 0.00001; gnomAD 0.00001; TOPMed 0.00001.
gnomAD v4.1: 6 of 1,611,768 alleles (0.00037%); highest among the groups gnomAD compares: African/African-American, 0.0027%; no homozygotes.

Submission:

Labcorp Genetics (formerly Invitae), Labcorp
Classification: Uncertain significance. Last evaluated: 2021-07-04. Review status: criteria provided, single submitter. Criteria: Invitae Variant Classification Sherloc (09022015). Collection method: clinical testing. Allele origin: germline.
Comment: This sequence change replaces isoleucine with leucine at codon 952 of the A2ML1 protein (p.Ile952Leu). The isoleucine residue is highly conserved and there is a small physicochemical difference between isoleucine and leucine. This variant is present in population databases (rs768513499, ExAC 0.002%). This variant has not been reported in the literature in individuals with A2ML1-related conditions. Algorithms developed to predict the effect of missense changes on protein structure and function output the following: SIFT: "Deleterious"; PolyPhen-2: "Benign"; Align-GVGD: "Class C0". The leucine amino acid residue is found in multiple mammalian species, suggesting that this missense change does not adversely affect protein function. These predictions have not been confirmed by published functional studies and their clinical significance is uncertain. In summary, the available evidence is currently insufficient to determine the role of this variant in disease. Therefore, it has been classified as a Variant of Uncertain Significance.

NM_144670.6(A2ML1):c.2854A>C (p.Ile952Leu)

Gene: A2ML1 (alpha-2-macroglobulin like 1; plus strand). Cytogenetic location: 12p13.31.
Variant type: single nucleotide variant.
Coding change: c.2854A>C on transcript NM_144670.6 (MANE Select); coding-DNA position 2854, A replaced by C.
Protein change: p.Ile952Leu; replaces isoleucine 952 with leucine.
Molecular consequence: missense variant.
Genome position (GRCh38, 1-based): chr12:8,857,169, A>C. VCF-style: chr12-8857169-A-C. GRCh37 (hg19) VCF-style: chr12-9009765-A-C.
Other names: c.1381A>C, p.Ile461Leu (NM_001282424.3); short protein forms I952L, I461L.
Identifiers: ClinVar variation 1486010 (VCV001486010.8), dbSNP rs768513499, ClinGen allele CA6436185.
Genomic context (GRCh38, chr12:8,857,169, plus strand): 5'-AGAGGGTCCCTTCTTCTCTGTACCCCTACCTTCTCTCTCTCCTTTTGGATCCCAGGAGAC[A>C]TTATGGGCACAGCCCTGCAGAACCTGGATGGTCTGGTGCAGATGCCCAGTGGCTGTGGCG-3'
Protein context (NP_653271.3, residues 942-962): TKAYVTVLGD[Ile952Leu]MGTALQNLDG